The following is an entry in ClinVar:

NM_032634.4(PIGO):c.2325G>T (p.Arg775Ser)

Gene: PIGO (phosphatidylinositol glycan anchor biosynthesis class O; minus strand). Cytogenetic location: 9p13.3.
Variant type: single nucleotide variant.
Coding change: c.2325G>T on transcript NM_032634.4 (MANE Select); coding-DNA position 2325, G replaced by T.
Protein change: p.Arg775Ser; replaces arginine 775 with serine.
Molecular consequence: missense variant. On other transcripts: intron variant (2).
Genome position (GRCh38, 1-based): chr9:35,091,562, C>A on the plus strand (G>T on the coding strand, the complement: PIGO is on the minus strand). VCF-style: chr9-35091562-C-A. GRCh37 (hg19) VCF-style: chr9-35091559-C-A.
Other names: c.1345-271G>T (NM_152850.4, NM_001201484.2); short protein forms R775S.
Identifiers: ClinVar variation 1003464 (VCV001003464.8), dbSNP rs367815008, ClinGen allele CA192710107.
Genomic context (GRCh38, chr9:35,091,562, plus strand): 5'-ATAATCCAAGTCAGCTTGAGAAGTGGGGGGGCCTGAGAAGGGAGTGAGGACAGTCCTGGT[C>A]CTTGGAGCGCCTGCCCCAGCCTTCACCAGCACTGTCACAGGCTTCCAGAGCAGCAGCGCG-3'
Protein context (NP_116023.2, residues 765-785): VLVKAGAGAP[Arg775Ser]TRTVLTPFSG

ClinVar aggregate classification (germline): Uncertain significance. Review status: criteria provided, multiple submitters, no conflicts (2 of 4 stars). 2 submissions from 2 submitters: Uncertain significance (2). Last evaluated 2021-05-30.

Conditions:
Hyperphosphatasia with impaired intellectual development syndrome 2. Also called: Hyperphosphatasia with intellectual disability syndrome 2; GLYCOSYLPHOSPHATIDYLINOSITOL BIOSYNTHESIS DEFECT 6. Identifiers: Orphanet 247262, MedGen C3553637, MONDO:0013882, OMIM 614749.

Allele frequency attached by ClinVar (database versions not stated): TOPMed 0.00002.
gnomAD v4.1: 6 of 1,613,962 alleles (0.00037%); highest among the groups gnomAD compares: Non-Finnish European, 0.00042%; no homozygotes.

Submissions (2):

Labcorp Genetics (formerly Invitae), Labcorp
Classification: Uncertain significance for Hyperphosphatasia with impaired intellectual development syndrome 2. Last evaluated: 2021-05-30. Review status: criteria provided, single submitter. Criteria: Invitae Variant Classification Sherloc (09022015). Collection method: clinical testing. Allele origin: germline.
Comment: In summary, the available evidence is currently insufficient to determine the role of this variant in disease. Therefore, it has been classified as a Variant of Uncertain Significance. Algorithms developed to predict the effect of missense changes on protein structure and function (SIFT, PolyPhen-2, Align-GVGD) all suggest that this variant is likely to be tolerated, but these predictions have not been confirmed by published functional studies and their clinical significance is uncertain. This variant has not been reported in the literature in individuals with PIGO-related conditions. This variant is not present in population databases (ExAC no frequency). This sequence change replaces arginine with serine at codon 775 of the PIGO protein (p.Arg775Ser). The arginine residue is moderately conserved and there is a moderate physicochemical difference between arginine and serine.

GeneDx
Classification: Uncertain significance. Last evaluated: 2019-08-14. Review status: criteria provided, single submitter. Criteria: GeneDx Variant Classification Process June 2021. Collection method: clinical testing. Allele origin: germline. Affected: yes.
Comment: Not observed at a significant frequency in large population cohorts (Lek et al., 2016); In silico analysis, which includes protein predictors and evolutionary conservation, supports that this variant does not alter protein structure/function; Has not been previously published as pathogenic or benign to our knowledge